The following is an entry in ClinVar:

NM_006947.4(SRP72):c.23G>C (p.Gly8Ala)

Genes: SRP72 (signal recognition particle 72; plus strand), LOC129992625 (ATAC-STARR-seq lymphoblastoid active region 21580; plus strand). Cytogenetic location: 4q12.
Variant type: single nucleotide variant.
Coding change: c.23G>C on transcript NM_006947.4 (MANE Select); coding-DNA position 23, G replaced by C.
Protein change: p.Gly8Ala; replaces glycine 8 with alanine.
Molecular consequence: missense variant. On other transcripts: non-coding transcript variant (1).
Genome position (GRCh38, 1-based): chr4:56,467,658, G>C. VCF-style: chr4-56467658-G-C. GRCh37 (hg19) VCF-style: chr4-57333824-G-C.
Other names: c.23G>C, p.Gly8Ala (NM_001267722.2); c.23G>C (NM_006947.3); short protein forms G8A.
Identifiers: ClinVar variation 1020162 (VCV001020162.12), dbSNP rs760960779, ClinGen allele CA97581279.

ClinVar aggregate classification (germline): Uncertain significance. Review status: criteria provided, multiple submitters, no conflicts (2 of 4 stars). 3 submissions from 3 submitters: Uncertain significance (3). Last evaluated 2025-12-29.

Allele frequency attached by ClinVar (database versions not stated): TOPMed 0.00002.
gnomAD v4.1: 92 of 1,559,726 alleles (0.0059%); highest among the groups gnomAD compares: Non-Finnish European, 0.0079%; no homozygotes.

Submissions (3):

Labcorp Genetics (formerly Invitae), Labcorp
Classification: Uncertain significance. Last evaluated: 2025-12-29. Review status: criteria provided, single submitter. Criteria: Invitae Variant Classification Sherloc (09022015). Collection method: clinical testing. Allele origin: germline.
Comment: This sequence change replaces glycine, which is neutral and non-polar, with alanine, which is neutral and non-polar, at codon 8 of the SRP72 protein (p.Gly8Ala). This variant is present in population databases (no rsID available, gnomAD 0.002%). This variant has not been reported in the literature in individuals affected with SRP72-related conditions. ClinVar contains an entry for this variant (Variation ID: 1020162). An algorithm developed to predict the effect of missense changes on protein structure and function (PolyPhen-2) suggests that this variant is likely to be tolerated. In summary, the available evidence is currently insufficient to determine the role of this variant in disease. Therefore, it has been classified as a Variant of Uncertain Significance.

Ambry Genetics
Classification: Uncertain significance. Last evaluated: 2025-05-14. Review status: criteria provided, single submitter. Criteria: Ambry Variant Classification Scheme 2023. Collection method: clinical testing. Allele origin: germline.

GeneDx
Classification: Uncertain significance. Last evaluated: 2024-07-23. Review status: criteria provided, single submitter. Criteria: GeneDx Variant Classification Process June 2021. Collection method: clinical testing. Allele origin: germline. Affected: yes.
Comment: Not observed at significant frequency in large population cohorts (gnomAD); In silico analysis indicates that this missense variant does not alter protein structure/function; Has not been previously published as pathogenic or benign to our knowledge